The following is an entry in ClinVar:

ClinVar aggregate classification (germline): Uncertain significance (1 of 4 stars; one submission).

Submission:

Labcorp Genetics (formerly Invitae), Labcorp
Classification: Uncertain significance. Last evaluated: 2022-08-16. Review status: criteria provided, single submitter. Criteria: Invitae Variant Classification Sherloc (09022015). Collection method: clinical testing. Allele origin: germline.
Comment: This sequence change replaces proline, which is neutral and non-polar, with serine, which is neutral and polar, at codon 660 of the ADAMTS17 protein (p.Pro660Ser). This variant is not present in population databases (gnomAD no frequency). This variant has not been reported in the literature in individuals affected with ADAMTS17-related conditions. Algorithms developed to predict the effect of missense changes on protein structure and function are either unavailable or do not agree on the potential impact of this missense change (SIFT: "Not Available"; PolyPhen-2: "Possibly Damaging"; Align-GVGD: "Not Available"). In summary, the available evidence is currently insufficient to determine the role of this variant in disease. Therefore, it has been classified as a Variant of Uncertain Significance.

NM_139057.4(ADAMTS17):c.1978C>T (p.Pro660Ser)

Gene: ADAMTS17 (ADAM metallopeptidase with thrombospondin type 1 motif 17; minus strand). Cytogenetic location: 15q26.3.
Variant type: single nucleotide variant.
Coding change: c.1978C>T on transcript NM_139057.4 (MANE Select); coding-DNA position 1978, C replaced by T.
Protein change: p.Pro660Ser; replaces proline 660 with serine.
Molecular consequence: missense variant.
Genome position (GRCh38, 1-based): chr15:100,109,027, G>A on the plus strand (C>T on the coding strand, the complement: ADAMTS17 is on the minus strand). VCF-style: chr15-100109027-G-A. GRCh37 (hg19) VCF-style: chr15-100649232-G-A.
Other names: short protein forms P660S.
Identifiers: ClinVar variation 2006274 (VCV002006274.4), dbSNP rs879133196, ClinGen allele CA275536675.